The following is an entry in ClinVar:

ClinVar aggregate classification (germline): Pathogenic/Likely pathogenic. Review status: criteria provided, multiple submitters, no conflicts (2 of 4 stars). 4 submissions from 4 submitters: Pathogenic (1); Likely pathogenic (2). 1 of the submissions does not count toward it. Last evaluated 2025-05-08.

Conditions:
Niemann-Pick disease, type C (NPC). Identifiers: Orphanet 646, MedGen C0220756, MONDO:0018982.
Niemann-Pick disease, type C1. Also called: NEUROVISCERAL STORAGE DISEASE WITH VERTICAL SUPRANUCLEAR OPHTHALMOPLEGIA; NIEMANN-PICK DISEASE WITH CHOLESTEROL ESTERIFICATION BLOCK; NIEMANN-PICK DISEASE WITHOUT SPHINGOMYELINASE DEFICIENCY; NIEMANN-PICK DISEASE, CHRONIC NEURONOPATHIC FORM; NIEMANN-PICK DISEASE, VARIANT TYPE C1. Identifiers: Orphanet 646, MedGen C3179455, MONDO:0009757, OMIM 257220.

Submissions (4):

Myriad Genetics, Inc.
Classification: Likely pathogenic for Niemann-Pick disease, type C1. Last evaluated: 2025-05-08. Review status: criteria provided, single submitter. Criteria: Myriad Autosomal Dominant, Autosomal Recessive and X-Linked Classification Criteria (2023). Collection method: clinical testing. Allele origin: unknown.
Comment: NM_000271.4(NPC1):c.3500T>G(F1167C) is a missense variant classified as likely pathogenic in the context of Niemann-Pick disease type C1. F1167C has been observed in cases with relevant disease (PMID: 25149939, 23433426, 27139891). Relevant functional assessments of this variant are not available in the literature. Internal structural analysis of the variant is supportive of pathogenicity. F1167C has not been observed in referenced population frequency databases. In summary, NM_000271.4(NPC1):c.3500T>G(F1167C) is a missense variant that has internal structural support for pathogenicity and has been observed more frequently in cases with the relevant disease than in healthy populations. Please note: this variant was assessed in the context of healthy population screening.

Women's Health and Genetics/Laboratory Corporation of America, LabCorp
Classification: Likely pathogenic for Niemann-Pick disease, type C. Last evaluated: 2023-04-27. Review status: criteria provided, single submitter. Criteria: LabCorp Variant Classification Summary - May 2015. Collection method: clinical testing. Allele origin: germline.
Comment: Variant summary: NPC1 c.3500T>G (p.Phe1167Cys) results in a non-conservative amino acid change in the encoded protein sequence. Five of five in-silico tools predict a damaging effect of the variant on protein function. The variant was absent in 251048 control chromosomes. c.3500T>G has been reported in the literature in individuals affected with Niemann-Pick Disease Type C (Mazzacuva_2016, Stampfer_2013, Tsao_2014). To our knowledge, no experimental evidence demonstrating an impact on protein function has been reported. Two other variants resulting in p.F1167L have been associated with Niemann-Pick disease in HGMD. The following publications have been ascertained in the context of this evaluation (PMID: 27139891, 23433426, 25149939).Two clinical diagnostic laboratories have submitted clinical-significance assessments for this variant to ClinVar after 2014. One laboratory classified the variant as pathogenic, and one laboratory classified the variant as uncertain significance. Based on the evidence outlined above, the variant was classified as likely pathogenic.

Labcorp Genetics (formerly Invitae), Labcorp
Classification: Pathogenic for Niemann-Pick disease, type C1. Last evaluated: 2022-02-04. Review status: criteria provided, single submitter. Criteria: Invitae Variant Classification Sherloc (09022015). Collection method: clinical testing. Allele origin: germline.
Comment: For these reasons, this variant has been classified as Pathogenic. Advanced modeling of protein sequence and biophysical properties (such as structural, functional, and spatial information, amino acid conservation, physicochemical variation, residue mobility, and thermodynamic stability) performed at Invitae indicates that this missense variant is expected to disrupt NPC1 protein function. ClinVar contains an entry for this variant (Variation ID: 557024). This missense change has been observed in individual(s) with Niemann-Pick type C (PMID: 23433426, 25149939). In at least one individual the data is consistent with being in trans (on the opposite chromosome) from a pathogenic variant. This variant is not present in population databases (gnomAD no frequency). This sequence change replaces phenylalanine, which is neutral and non-polar, with cysteine, which is neutral and slightly polar, at codon 1167 of the NPC1 protein (p.Phe1167Cys).

Counsyl
Classification: Uncertain significance for Niemann-Pick disease, type C1. Last evaluated: 2018-03-02. Review status: no assertion criteria provided. Collection method: clinical testing. Allele origin: unknown. Not counted in ClinVar's aggregate classification.

Literature cited by the submitters: PubMed 23433426 (cited by 4 submitters); PubMed 25149939 (cited by 3 submitters); PubMed 27139891 (cited by Myriad Genetics, Inc. and Women's Health and Genetics/Laboratory Corporation of America, LabCorp).

NM_000271.5(NPC1):c.3500T>G (p.Phe1167Cys)

Gene: NPC1 (NPC intracellular cholesterol transporter 1; minus strand). Cytogenetic location: 18q11.2.
Variant type: single nucleotide variant.
Coding change: c.3500T>G on transcript NM_000271.5 (MANE Select); coding-DNA position 3500, T replaced by G.
Protein change: p.Phe1167Cys; replaces phenylalanine 1167 with cysteine.
Molecular consequence: missense variant.
Genome position (GRCh38, 1-based): chr18:23,534,537, A>C on the plus strand (T>G on the coding strand, the complement: NPC1 is on the minus strand). VCF-style: chr18-23534537-A-C. GRCh37 (hg19) VCF-style: chr18-21114501-A-C.
Other names: short protein forms F1167C.
Identifiers: ClinVar variation 557024 (VCV000557024.14), dbSNP rs1555632003, ClinGen allele CA401791052.
Genomic context (GRCh38, chr18:23,534,537, plus strand): 5'-GCGCGCTCCACGCGGCTGCCTTTCATGCTCACCGTGAACGCTCTGGTTATGTGGCTGCAG[A>C]ACTCCACGGAGATGCCACAGCTCTGAAATAAAGCACTTCCTTTAGGATGGCTCTCTTCCT-3'
Protein context (NP_000262.2, residues 1157-1177): LVMSCGISVE[Phe1167Cys]CSHITRAFTV